The following is an entry in ClinVar:

NM_000138.5(FBN1):c.7840G>C (p.Ala2614Pro)

Gene: FBN1 (fibrillin 1; minus strand). Cytogenetic location: 15q21.1.
Variant type: single nucleotide variant.
Coding change: c.7840G>C on transcript NM_000138.5 (MANE Select); coding-DNA position 7840, G replaced by C.
Protein change: p.Ala2614Pro; replaces alanine 2614 with proline.
Molecular consequence: missense variant.
Genome position (GRCh38, 1-based): chr15:48,415,747, C>G on the plus strand (G>C on the coding strand, the complement: FBN1 is on the minus strand). VCF-style: chr15-48415747-C-G. GRCh37 (hg19) VCF-style: chr15-48707944-C-G.
Other names: short protein forms A2614P.
Identifiers: ClinVar variation 1342380 (VCV001342380.9), dbSNP rs1280320763, ClinGen allele CA392323422.

ClinVar aggregate classification (germline): Conflicting classifications of pathogenicity. Review status: criteria provided, conflicting classifications (1 of 4 stars). 4 submissions from 4 submitters: Uncertain significance (3); Likely benign (1). Last evaluated 2026-05-23.

Conditions:
Marfan syndrome (MFS). Also called: Marfan syndrome type 1; Marfan's syndrome; FBN1-Related Marfan Syndrome; MARFAN SYNDROME, TYPE I; Marfan syndrome, classic. Identifiers: Orphanet 284963, Orphanet 558, MedGen C0024796, MONDO:0007947, OMIM 154700.
Geleophysic dysplasia 2 (GPHYSD2). Identifiers: Orphanet 2623, MedGen C3280054, MONDO:0013612, OMIM 614185.
Acromicric dysplasia (ACMICD). Also called: Acromicric skeletal dysplasia. Identifiers: Orphanet 969, MedGen C0265287, MONDO:0007055, OMIM 102370.
Weill-Marchesani syndrome 2, dominant. Also called: FBN1-Related Weill-Marchesani Syndrome; Weill-Marchesani Syndrome, Autosomal Dominant. Identifiers: Orphanet 2084, MedGen C1869115, MONDO:0012013, OMIM 608328.
Ectopia lentis 1, isolated, autosomal dominant (ECTOL1). Identifiers: Orphanet 1885, MedGen C3541518, MONDO:0007514, OMIM 129600.
Progeroid and marfanoid aspect-lipodystrophy syndrome. Also called: MARFANOID-PROGEROID-LIPODYSTROPHY SYNDROME; MARFANOID-PROGEROID SYNDROME; MARFAN-PROGEROID-LIPODYSTROPHY SYNDROME; Marfan lipodystrophy syndrome. Identifiers: Orphanet 300382, MedGen C4310796, MONDO:0014831, OMIM 616914.
Stiff skin syndrome (SSKS). Identifiers: Orphanet 2833, MedGen C1861456, MONDO:0008492, OMIM 184900.
Familial thoracic aortic aneurysm and aortic dissection (TAAD). Also called: Thoracic aortic aneurysms and dissections. Identifiers: Orphanet 91387, MedGen C4707243, MONDO:0019625.

gnomAD v4.1: 2 of 1,614,068 alleles (0.00012%); highest among the groups gnomAD compares: Admixed American, 0.0033%; no homozygotes.

Submissions (4):

Ambry Genetics
Classification: Uncertain significance for Familial thoracic aortic aneurysm and aortic dissection. Last evaluated: 2026-05-23. Review status: criteria provided, single submitter. Criteria: Ambry Variant Classification Scheme 2023. Collection method: clinical testing. Allele origin: germline.

All of Us Research Program, National Institutes of Health
Classification: Uncertain significance for Marfan syndrome. Last evaluated: 2023-05-30. Review status: criteria provided, single submitter. Criteria: ACMG Guidelines, 2015. Collection method: clinical testing. Allele origin: germline. Inheritance: Autosomal dominant inheritance. Observed: 1 variant allele, 1 heterozygote.
Comment: This missense variant replaces alanine with proline at codon 2614 of the FBN1 protein. Computational prediction suggests that this variant may not impact protein structure and function (internally defined REVEL score threshold <= 0.5, PMID: 27666373). To our knowledge, functional studies have not been reported for this variant. This variant has not been reported in individuals affected with FBN1-related disorders in the literature. This variant has been identified in 1/251062 chromosomes in the general population by the Genome Aggregation Database (gnomAD). The available evidence is insufficient to determine the role of this variant in disease conclusively. Therefore, this variant is classified as a Variant of Uncertain Significance.

This study involves interpretation of variants in research participants for the purpose of population health screening. Participant phenotype was not available at the time of variant classification. Additional details can be found in publication PMID: 35346344, PMCID: PMC8962531

Labcorp Genetics (formerly Invitae), Labcorp
Classification: Likely benign for Marfan syndrome; Familial thoracic aortic aneurysm and aortic dissection. Last evaluated: 2023-03-03. Review status: criteria provided, single submitter. Criteria: Invitae Variant Classification Sherloc (09022015). Collection method: clinical testing. Allele origin: germline.

New York Genome Center
Classification: Uncertain significance for Acromicric dysplasia; Ectopia lentis 1, isolated, autosomal dominant; Geleophysic dysplasia 2; Progeroid and marfanoid aspect-lipodystrophy syndrome; Marfan syndrome; Stiff skin syndrome; Weill-Marchesani syndrome 2, dominant. Last evaluated: 2021-03-22. Review status: criteria provided, single submitter. Criteria: NYGC Assertion Criteria 2020. Collection method: clinical testing. Allele origin: inherited. Observed: 1 heterozygote. Study: CSER-NYCKidSeq.